The following is an entry in ClinVar:

ClinVar aggregate classification (germline): Uncertain significance (1 of 4 stars; one submission).

Conditions:
Hajdu-Cheney syndrome (HJCYS). Also called: ACROOSTEOLYSIS WITH OSTEOPOROSIS AND CHANGES IN SKULL AND MANDIBLE; SERPENTINE FIBULA-POLYCYSTIC KIDNEY SYNDROME; Acroosteolysis dominant type. Identifiers: Orphanet 955, MedGen C0917715, MONDO:0007057, OMIM 102500.

gnomAD v4.1: 3 of 1,614,152 alleles (0.00019%); highest among the groups gnomAD compares: Non-Finnish European, 0.00017%; no homozygotes.

Submission:

Labcorp Genetics (formerly Invitae), Labcorp
Classification: Uncertain significance for Hajdu-Cheney syndrome. Last evaluated: 2026-01-06. Review status: criteria provided, single submitter. Criteria: Invitae Variant Classification Sherloc (09022015). Collection method: clinical testing. Allele origin: germline.
Comment: This sequence change replaces arginine, which is basic and polar, with glycine, which is neutral and non-polar, at codon 1435 of the NOTCH2 protein (p.Arg1435Gly). This variant is not present in population databases (gnomAD no frequency). This variant has not been reported in the literature in individuals affected with NOTCH2-related conditions. Invitae Evidence Modeling of protein sequence and biophysical properties (such as structural, functional, and spatial information, amino acid conservation, physicochemical variation, residue mobility, and thermodynamic stability) indicates that this missense variant is not expected to disrupt NOTCH2 protein function with a negative predictive value of 95%. In summary, the available evidence is currently insufficient to determine the role of this variant in disease. Therefore, it has been classified as a Variant of Uncertain Significance.

NM_024408.4(NOTCH2):c.4303C>G (p.Arg1435Gly)

Gene: NOTCH2 (notch receptor 2; minus strand). Cytogenetic location: 1p12.
Variant type: single nucleotide variant.
Coding change: c.4303C>G on transcript NM_024408.4 (MANE Select); coding-DNA position 4303, C replaced by G.
Protein change: p.Arg1435Gly; replaces arginine 1435 with glycine.
Molecular consequence: missense variant.
Genome position (GRCh38, 1-based): chr1:119,925,513, G>C on the plus strand (C>G on the coding strand, the complement: NOTCH2 is on the minus strand). VCF-style: chr1-119925513-G-C. GRCh37 (hg19) VCF-style: chr1-120468136-G-C.
Other names: short protein forms R1435G.
Identifiers: ClinVar variation 4799934 (VCV004799934.1).
Genomic context (GRCh38, chr1:119,925,513, plus strand): 5'-AGTCACCCCCATCCCACTGGCAGGCATGGCTGTTGCAGGCCTCATCACAGACGCCATCCC[G>C]AGCTTTGTCGGCACAATACTGGCTCAGACAGGTGGCAGGAGGGGTGCTGGGGGGTGCCGT-3'
Protein context (NP_077719.2, residues 1425-1445): CLSQYCADKA[Arg1435Gly]DGVCDEACNS